The following is an entry in ClinVar:

NM_002439.5(MSH3):c.1597G>A (p.Glu533Lys)

Gene: MSH3 (mutS homolog 3; plus strand). Cytogenetic location: 5q14.1.
Variant type: single nucleotide variant.
Coding change: c.1597G>A on transcript NM_002439.5 (MANE Select); coding-DNA position 1597, G replaced by A.
Protein change: p.Glu533Lys; replaces glutamic acid 533 with lysine.
Molecular consequence: missense variant.
Genome position (GRCh38, 1-based): chr5:80,741,492, G>A. VCF-style: chr5-80741492-G-A. GRCh37 (hg19) VCF-style: chr5-80037311-G-A.
Other names: c.1597G>A (NM_002439.3); short protein forms E533K.
Identifiers: ClinVar variation 650232 (VCV000650232.11), dbSNP rs1321121530, ClinGen allele CA360274475.

ClinVar aggregate classification (germline): Uncertain significance. Review status: criteria provided, multiple submitters, no conflicts (2 of 4 stars). 4 submissions from 4 submitters: Uncertain significance (4). Last evaluated 2025-08-24.

Conditions:
Endometrial carcinoma. Also called: Endometrial carcinoma, somatic. Identifiers: MedGen C0476089, MONDO:0002447, OMIM 608089, HP:0012114.
Familial adenomatous polyposis 4 (FAP4). Also called: MSH3-related attenuated familial adenomatous polyposis. Identifiers: Orphanet 480536, MedGen C4310719, MONDO:0044300, OMIM 617100.
Hereditary cancer-predisposing syndrome. Also called: Neoplastic Syndromes, Hereditary; Tumor predisposition; Hereditary Cancer Syndrome; Hereditary neoplastic syndrome. Identifiers: Orphanet 140162, MedGen C0027672, MeSH D009386, MONDO:0015356.

Allele frequency attached by ClinVar (database versions not stated): TOPMed 0.00001.

Submissions (4):

Ambry Genetics
Classification: Uncertain significance for Hereditary cancer-predisposing syndrome. Last evaluated: 2025-08-24. Review status: criteria provided, single submitter. Criteria: Ambry Variant Classification Scheme 2023. Collection method: clinical testing. Allele origin: germline.
Comment: The p.E533K variant (also known as c.1597G>A), located in coding exon 11 of the MSH3 gene, results from a G to A substitution at nucleotide position 1597. The glutamic acid at codon 533 is replaced by lysine, an amino acid with similar properties. This amino acid position is conserved. In addition, the in silico prediction for this alteration is inconclusive. Since supporting evidence is limited at this time, the clinical significance of this alteration remains unclear.

Labcorp Genetics (formerly Invitae), Labcorp
Classification: Uncertain significance. Last evaluated: 2025-02-12. Review status: criteria provided, single submitter. Criteria: Invitae Variant Classification Sherloc (09022015). Collection method: clinical testing. Allele origin: germline.
Comment: This sequence change replaces glutamic acid, which is acidic and polar, with lysine, which is basic and polar, at codon 533 of the MSH3 protein (p.Glu533Lys). This variant is not present in population databases (gnomAD no frequency). This variant has not been reported in the literature in individuals affected with MSH3-related conditions. ClinVar contains an entry for this variant (Variation ID: 650232). An algorithm developed to predict the effect of missense changes on protein structure and function (PolyPhen-2) suggests that this variant is likely to be tolerated. In summary, the available evidence is currently insufficient to determine the role of this variant in disease. Therefore, it has been classified as a Variant of Uncertain Significance.

Fulgent Genetics
Classification: Uncertain significance for Endometrial carcinoma; Familial adenomatous polyposis 4. Last evaluated: 2024-01-31. Review status: criteria provided, single submitter. Criteria: ACMG Guidelines, 2015. Collection method: clinical testing. Allele origin: germline.

GeneDx
Classification: Uncertain significance. Last evaluated: 2022-04-26. Review status: criteria provided, single submitter. Criteria: GeneDx Variant Classification Process June 2021. Collection method: clinical testing. Allele origin: germline. Affected: yes.
Comment: Not observed at significant frequency in large population cohorts (gnomAD); In silico analysis supports that this missense variant does not alter protein structure/function; Has not been previously published as pathogenic or benign to our knowledge